The following is an entry in ClinVar:

NM_000046.5(ARSB):c.1032C>A (p.Asn344Lys)

Gene: ARSB (arylsulfatase B; minus strand). Cytogenetic location: 5q14.1.
Variant type: single nucleotide variant.
Coding change: c.1032C>A on transcript NM_000046.5 (MANE Select); coding-DNA position 1032, C replaced by A.
Protein change: p.Asn344Lys; replaces asparagine 344 with lysine.
Molecular consequence: missense variant.
Genome position (GRCh38, 1-based): chr5:78,885,694, G>T on the plus strand (C>A on the coding strand, the complement: ARSB is on the minus strand). VCF-style: chr5-78885694-G-T. GRCh37 (hg19) VCF-style: chr5-78181517-G-T.
Other names: c.1032C>A, p.Asn344Lys (NM_198709.3); short protein forms N344K.
Identifiers: ClinVar variation 2627226 (VCV002627226.1), dbSNP rs1554079304, ClinGen allele CA360343027.

ClinVar aggregate classification (germline): Uncertain significance (1 of 4 stars; one submission).

Submission:

Women's Health and Genetics/Laboratory Corporation of America, LabCorp
Classification: Uncertain significance. Last evaluated: 2023-09-14. Review status: criteria provided, single submitter. Criteria: LabCorp Variant Classification Summary - May 2015. Collection method: clinical testing. Allele origin: germline.
Comment: Variant summary: ARSB c.1032C>A (p.Asn344Lys) results in a non-conservative amino acid change located in the Sulfatase, N-terminal (IPR000917) of the encoded protein sequence. Three of five in-silico tools predict a damaging effect of the variant on protein function. The variant was absent in 251130 control chromosomes (gnomAD). The available data on variant occurrences in the general population are insufficient to allow any conclusion about variant significance. A different missense variant (c.1032C>G) resulting in the same amino acid change has been reported in the literature in an individual affected with Mucopolysaccharidosis Type VI (Maroteaux-Lamy Syndrome) who had another variant of uncertain significance in cis and a pathogenic variant in trans (Karageorgos_2007). This report does not provide unequivocal conclusions about association of the variant with Mucopolysaccharidosis Type VI (Maroteaux-Lamy Syndrome). To our knowledge, no experimental evidence demonstrating an impact on protein function has been reported. The following publication has been ascertained in the context of this evaluation (PMID: 17458871). No submitters have cited clinical-significance assessments for this variant to ClinVar after 2014. Based on the evidence outlined above, the variant was classified as uncertain significance.

Literature cited by the submitters: PubMed 17458871.